The following is an entry in ClinVar:

ClinVar aggregate classification (germline): Uncertain significance. Review status: criteria provided, multiple submitters, no conflicts (2 of 4 stars). 3 submissions from 3 submitters: Uncertain significance (3). Last evaluated 2024-10-01.

Conditions:
Arrhythmogenic right ventricular dysplasia 9 (ARVD9). Also called: ARRHYTHMOGENIC RIGHT VENTRICULAR DYSPLASIA, FAMILIAL, 9; Arrhythmogenic Right Ventricular Dysplasia/Cardiomyopathy 9. Identifiers: MedGen C1836906, MONDO:0012180, OMIM 609040.
Arrhythmogenic right ventricular cardiomyopathy (ARVD). Also called: Arrhythmogenic right ventricular dysplasia; Cardiomyopathy, ARVC; Arrhythmogenic cardiomyopathy; Arrhythmogenic Right Ventricular Cardiomyopathy (ARVC). Identifiers: Orphanet 247, MedGen C0349788, MeSH D019571, MONDO:0016587. Disease mechanism: loss of function. Inheritance: Various modes of inheritance.
Cardiovascular phenotype. Identifiers: MedGen CN230736.

gnomAD v4.1: 1 of 1,613,036 alleles (0.000062%); highest among the groups gnomAD compares: Admixed American, 0.0017%; no homozygotes.

Submissions (3):

Labcorp Genetics (formerly Invitae), Labcorp
Classification: Uncertain significance for Arrhythmogenic right ventricular dysplasia 9. Last evaluated: 2024-10-01. Review status: criteria provided, single submitter. Criteria: Invitae Variant Classification Sherloc (09022015). Collection method: clinical testing. Allele origin: germline.
Comment: This sequence change replaces arginine, which is basic and polar, with glycine, which is neutral and non-polar, at codon 388 of the PKP2 protein (p.Arg388Gly). This variant is present in population databases (no rsID available, gnomAD 0.003%). This variant has not been reported in the literature in individuals affected with PKP2-related conditions. ClinVar contains an entry for this variant (Variation ID: 2564437). An algorithm developed to predict the effect of missense changes on protein structure and function (PolyPhen-2) suggests that this variant is likely to be disruptive. This variant disrupts the p.Arg388 amino acid residue in PKP2. Other variant(s) that disrupt this residue have been determined to be pathogenic (PMID: 19880068, 20152563, 24967631). This suggests that this residue is clinically significant, and that variants that disrupt this residue are likely to be disease-causing. In summary, the available evidence is currently insufficient to determine the role of this variant in disease. Therefore, it has been classified as a Variant of Uncertain Significance.

All of Us Research Program, National Institutes of Health
Classification: Uncertain significance for Arrhythmogenic right ventricular cardiomyopathy. Last evaluated: 2024-09-23. Review status: criteria provided, single submitter. Criteria: ACMG Guidelines, 2015. Collection method: clinical testing. Allele origin: germline. Inheritance: Autosomal dominant inheritance. Observed: 1 variant allele, 1 heterozygote.
Comment: This study involves interpretation of variants in research participants for the purpose of population health screening. Participant phenotype was not available at the time of variant classification. Additional details can be found in publication PMID: 35346344, PMCID: PMC8962531

Ambry Genetics
Classification: Uncertain significance for Cardiovascular phenotype. Last evaluated: 2023-04-18. Review status: criteria provided, single submitter. Criteria: Ambry Variant Classification Scheme 2023. Collection method: clinical testing. Allele origin: germline.
Comment: The p.R388G variant (also known as c.1162C>G), located in coding exon 4 of the PKP2 gene, results from a C to G substitution at nucleotide position 1162. The arginine at codon 388 is replaced by glycine, an amino acid with dissimilar properties. This amino acid position is highly conserved in available vertebrate species. In addition, the in silico prediction for this alteration is inconclusive. Since supporting evidence is limited at this time, the clinical significance of this alteration remains unclear.

Literature cited by the submitters: PubMed 19880068 (cited by Labcorp Genetics (formerly Invitae), Labcorp); PubMed 20152563 (cited by Labcorp Genetics (formerly Invitae), Labcorp); PubMed 24967631 (cited by Labcorp Genetics (formerly Invitae), Labcorp).

NM_001005242.3(PKP2):c.1162C>G (p.Arg388Gly)

Gene: PKP2 (plakophilin 2; minus strand). Cytogenetic location: 12p11.21.
Variant type: single nucleotide variant.
Coding change: c.1162C>G on transcript NM_001005242.3 (MANE Select); coding-DNA position 1162, C replaced by G.
Protein change: p.Arg388Gly; replaces arginine 388 with glycine.
Molecular consequence: missense variant.
Genome position (GRCh38, 1-based): chr12:32,868,935, G>C on the plus strand (C>G on the coding strand, the complement: PKP2 is on the minus strand). VCF-style: chr12-32868935-G-C. GRCh37 (hg19) VCF-style: chr12-33021869-G-C.
Other names: c.1162C>G, p.Arg388Gly (NM_001407155.1, NM_001407156.1, NM_001407157.1 and 2 more transcripts); c.835C>G, p.Arg279Gly (NM_001407158.1, NM_001407159.1, NM_001407160.1 and 1 more transcripts); short protein forms R279G, R388G.
Identifiers: ClinVar variation 2564437 (VCV002564437.5), dbSNP rs766209297, ClinGen allele CA384358962.